The following is an entry in ClinVar:

NM_002693.3(POLG):c.401A>G (p.Asn134Ser)

Genes: POLG (DNA polymerase gamma, catalytic subunit; minus strand), POLGARF (POLG alternative reading frame; minus strand). Cytogenetic location: 15q26.1.
Variant type: single nucleotide variant.
Coding change: c.401A>G on transcript NM_002693.3 (MANE Select); coding-DNA position 401, A replaced by G.
Protein change: p.Asn134Ser; replaces asparagine 134 with serine.
Molecular consequence: missense variant.
Genome position (GRCh38, 1-based): chr15:89,333,354, T>C on the plus strand (A>G on the coding strand, the complement: POLG is on the minus strand). VCF-style: chr15-89333354-T-C. GRCh37 (hg19) VCF-style: chr15-89876585-T-C.
Other names: c.401A>G, p.Asn134Ser (NM_001126131.2); short protein forms N134S.
Identifiers: ClinVar variation 1021171 (VCV001021171.43), dbSNP rs765542094, ClinGen allele CA7725119.

ClinVar aggregate classification (germline): Uncertain significance. Review status: criteria provided, multiple submitters, no conflicts (2 of 4 stars). 2 submissions from 2 submitters: Uncertain significance (2). Last evaluated 2025-12-03.

Conditions:
Progressive sclerosing poliodystrophy (MTDPS4A). Also called: Alpers Syndrome; ALPERS PROGRESSIVE INFANTILE POLIODYSTROPHY; ALPERS DIFFUSE DEGENERATION OF CEREBRAL GRAY MATTER WITH HEPATIC CIRRHOSIS; Alpers-Huttenlocher Syndrome; Mitochondrial DNA depletion syndrome 4A (Alpers type); Mitochondrial DNA Depletion Syndrome 4A. Identifiers: Orphanet 726, MedGen C0205710, MONDO:0008758, OMIM 203700.

Allele frequency attached by ClinVar (database versions not stated): ExAC below 0.00001.
gnomAD v4.1: 7 of 1,571,044 alleles (0.00045%); highest among the groups gnomAD compares: East Asian, 0.0071%; no homozygotes.

Submissions (2):

Labcorp Genetics (formerly Invitae), Labcorp
Classification: Uncertain significance for Progressive sclerosing poliodystrophy. Last evaluated: 2025-12-03. Review status: criteria provided, single submitter. Criteria: Invitae Variant Classification Sherloc (09022015). Collection method: clinical testing. Allele origin: germline.
Comment: This sequence change replaces asparagine, which is neutral and polar, with serine, which is neutral and polar, at codon 134 of the POLG protein (p.Asn134Ser). The frequency data for this variant in the population databases is considered unreliable, as metrics indicate poor data quality at this position in the gnomAD database. This variant has not been reported in the literature in individuals affected with POLG-related conditions. ClinVar contains an entry for this variant (Variation ID: 1021171). Invitae Evidence Modeling of protein sequence and biophysical properties (such as structural, functional, and spatial information, amino acid conservation, physicochemical variation, residue mobility, and thermodynamic stability) indicates that this missense variant is not expected to disrupt POLG protein function with a negative predictive value of 95%. In summary, the available evidence is currently insufficient to determine the role of this variant in disease. Therefore, it has been classified as a Variant of Uncertain Significance.

CeGaT Center for Human Genetics Tuebingen
Classification: Uncertain significance. Last evaluated: 2021-09-01. Review status: criteria provided, single submitter. Criteria: CeGaT Center For Human Genetics Tuebingen Variant Classification Criteria Version 2. Collection method: clinical testing. Allele origin: germline. Affected: yes. Observed: 1 variant allele.